The following is an entry in ClinVar:

ClinVar aggregate classification (germline): Uncertain significance (1 of 4 stars; one submission).

Conditions:
Ullrich congenital muscular dystrophy 2 (UCMD2). Identifiers: Orphanet 75840, MedGen C4225314, MONDO:0014654, OMIM 616470.
Bethlem myopathy 2 (BTHLM2). Identifiers: Orphanet 536516, Orphanet 610, MedGen C4225313, MONDO:0034022, OMIM 616471.

Submission:

Labcorp Genetics (formerly Invitae), Labcorp
Classification: Uncertain significance for Bethlem myopathy 2; Ullrich congenital muscular dystrophy 2. Last evaluated: 2022-08-31. Review status: criteria provided, single submitter. Criteria: Invitae Variant Classification Sherloc (09022015). Collection method: clinical testing. Allele origin: germline.
Comment: In summary, the available evidence is currently insufficient to determine the role of this variant in disease. Therefore, it has been classified as a Variant of Uncertain Significance. Algorithms developed to predict the effect of missense changes on protein structure and function are either unavailable or do not agree on the potential impact of this missense change (SIFT: "Deleterious"; PolyPhen-2: "Benign"; Align-GVGD: "Class C0"). This variant has not been reported in the literature in individuals affected with COL12A1-related conditions. This variant is not present in population databases (gnomAD no frequency). This sequence change replaces leucine, which is neutral and non-polar, with phenylalanine, which is neutral and non-polar, at codon 2004 of the COL12A1 protein (p.Leu2004Phe).

NM_004370.6(COL12A1):c.6010C>T (p.Leu2004Phe)

Gene: COL12A1 (collagen type XII alpha 1 chain; minus strand). Cytogenetic location: 6q13.
Variant type: single nucleotide variant.
Coding change: c.6010C>T on transcript NM_004370.6 (MANE Select); coding-DNA position 6010, C replaced by T.
Protein change: p.Leu2004Phe; replaces leucine 2004 with phenylalanine.
Molecular consequence: missense variant.
Genome position (GRCh38, 1-based): chr6:75,130,909, G>A on the plus strand (C>T on the coding strand, the complement: COL12A1 is on the minus strand). VCF-style: chr6-75130909-G-A. GRCh37 (hg19) VCF-style: chr6-75840625-G-A.
Other names: c.2518C>T, p.Leu840Phe (NM_080645.3); short protein forms L2004F, L840F.
Identifiers: ClinVar variation 2043380 (VCV002043380.4), dbSNP rs2533270644, ClinGen allele CA364732389.